The following is an entry in ClinVar:

NM_001008212.2(OPTN):c.678C>G (p.Phe226Leu)

Gene: OPTN (optineurin; plus strand). Cytogenetic location: 10p13.
Variant type: single nucleotide variant.
Coding change: c.678C>G on transcript NM_001008212.2 (MANE Select); coding-DNA position 678, C replaced by G.
Protein change: p.Phe226Leu; replaces phenylalanine 226 with leucine.
Molecular consequence: missense variant.
Genome position (GRCh38, 1-based): chr10:13,118,939, C>G. VCF-style: chr10-13118939-C-G. GRCh37 (hg19) VCF-style: chr10-13160939-C-G.
Other names: c.678C>G, p.Phe226Leu (NM_001008211.1, NM_001008213.1, NM_021980.4); short protein forms F226L.
Identifiers: ClinVar variation 4793869 (VCV004793869.1).

ClinVar aggregate classification (germline): Uncertain significance (1 of 4 stars; one submission).

Conditions:
Primary open angle glaucoma (POAG). Also called: OPTN-related open angle glaucoma. Identifiers: MedGen C0339573, MONDO:0100553, OMIM 137760.
Amyotrophic lateral sclerosis type 12 (ALS12). Also called: AMYOTROPHIC LATERAL SCLEROSIS 12 WITH OR WITHOUT FRONTOTEMPORAL DEMENTIA. Identifiers: Orphanet 803, MedGen C3150692, MONDO:0013264, OMIM 613435.
Glaucoma 1, open angle, E. Identifiers: MedGen C1842026, MONDO:0007665.

gnomAD v4.1: 13 of 1,613,892 alleles (0.00081%); highest among the groups gnomAD compares: African/African-American, 0.012%; no homozygotes.

Submission:

Labcorp Genetics (formerly Invitae), Labcorp
Classification: Uncertain significance for Primary open angle glaucoma; Glaucoma 1, open angle, E; Amyotrophic lateral sclerosis type 12. Last evaluated: 2025-04-15. Review status: criteria provided, single submitter. Criteria: Invitae Variant Classification Sherloc (09022015). Collection method: clinical testing. Allele origin: germline.
Comment: This sequence change replaces phenylalanine, which is neutral and non-polar, with leucine, which is neutral and non-polar, at codon 226 of the OPTN protein (p.Phe226Leu). This variant is present in population databases (rs560438634, gnomAD 0.02%). This missense change has been observed in individual(s) with progressive motor atrophy (PMID: 32893042). Invitae Evidence Modeling of protein sequence and biophysical properties (such as structural, functional, and spatial information, amino acid conservation, physicochemical variation, residue mobility, and thermodynamic stability) indicates that this missense variant is not expected to disrupt OPTN protein function with a negative predictive value of 80%. In summary, the available evidence is currently insufficient to determine the role of this variant in disease. Therefore, it has been classified as a Variant of Uncertain Significance.

Literature cited by the submitters: PubMed 32893042.